The following is an entry in ClinVar:

ClinVar aggregate classification (germline): Uncertain significance (1 of 4 stars; one submission).

Conditions:
Landau-Kleffner syndrome (FESD). Also called: EPILEPSY, FOCAL, WITH SPEECH DISORDER AND WITH OR WITHOUT MENTAL RETARDATION; APHASIA, ACQUIRED, WITH EPILEPSY. Identifiers: Orphanet 1945, Orphanet 725, Orphanet 98818, MedGen C0282512, MONDO:0009509, OMIM 245570.

Allele frequency attached by ClinVar (database versions not stated): gnomAD exomes below 0.00001; ExAC 0.00002.
gnomAD v4.1: 4 of 1,614,088 alleles (0.00025%); highest among the groups gnomAD compares: Non-Finnish European, 0.00034%; no homozygotes.

Submission:

Labcorp Genetics (formerly Invitae), Labcorp
Classification: Uncertain significance for Landau-Kleffner syndrome. Last evaluated: 2023-07-16. Review status: criteria provided, single submitter. Criteria: Invitae Variant Classification Sherloc (09022015). Collection method: clinical testing. Allele origin: germline.
Comment: In summary, the available evidence is currently insufficient to determine the role of this variant in disease. Therefore, it has been classified as a Variant of Uncertain Significance. Advanced modeling of protein sequence and biophysical properties (such as structural, functional, and spatial information, amino acid conservation, physicochemical variation, residue mobility, and thermodynamic stability) performed at Invitae indicates that this missense variant is expected to disrupt GRIN2A protein function. This variant has not been reported in the literature in individuals affected with GRIN2A-related conditions. This variant is present in population databases (rs764289741, gnomAD 0.004%). This sequence change replaces valine, which is neutral and non-polar, with isoleucine, which is neutral and non-polar, at codon 820 of the GRIN2A protein (p.Val820Ile).

NM_001134407.3(GRIN2A):c.2458G>A (p.Val820Ile)

Gene: GRIN2A (glutamate ionotropic receptor NMDA type subunit 2A; minus strand). Cytogenetic location: 16p13.2.
Variant type: single nucleotide variant.
Coding change: c.2458G>A on transcript NM_001134407.3 (MANE Select); coding-DNA position 2458, G replaced by A.
Protein change: p.Val820Ile; replaces valine 820 with isoleucine.
Molecular consequence: missense variant.
Genome position (GRCh38, 1-based): chr16:9,768,988, C>T on the plus strand (G>A on the coding strand, the complement: GRIN2A is on the minus strand). VCF-style: chr16-9768988-C-T. GRCh37 (hg19) VCF-style: chr16-9862845-C-T.
Other names: c.2458G>A, p.Val820Ile (NM_000833.5, NM_001134408.2); short protein forms V820I.
Identifiers: ClinVar variation 2824195 (VCV002824195.3), dbSNP rs764289741, ClinGen allele CA7896505.